The following is an entry in ClinVar:

NM_001375765.1(GIGYF1):c.1087GAG[1] (p.Glu364del)

Gene: GIGYF1 (GRB10 interacting GYF protein 1; minus strand). Cytogenetic location: 7q22.1.
Variant type: Microsatellite.
Coding change: c.1087GAG[1] on transcript NM_001375765.1 (MANE Select); one copy of the 3-base unit GAG starting at c.1087; the reference has two copies in a row; one copy, 3 bases deleted.
Protein change: p.Glu364del; deletes glutamic acid 364.
Molecular consequence: non-coding transcript variant (on NR_164719.1).
Genome position (GRCh38, 1-based): chr7:100,685,444-100,685,446, CTC deleted on the plus strand (GAG on the coding strand, the reverse complement: GIGYF1 is on the minus strand); deleting any 3 consecutive bases within chr7:100,685,444-100,685,451 gives the same sequence; the position shown is the placement nearest the transcript's 3' end. VCF-style (leftmost placement, unchanged base first): chr7-100685443-TCTC-T. GRCh37 (hg19) VCF-style: chr7-100283066-TCTC-T.
Other names: NM_022574.4:c.1090_1092delGAG; c.1087GAG[1], p.Glu364del (NM_001375759.1, NM_001375760.1, NM_001375761.1 and 6 more transcripts); short protein forms E364del.
Identifiers: ClinVar variation 3040797 (VCV003040797.2), dbSNP rs140167656, ClinGen allele CA4388706.
Genomic context (GRCh38, chr7:100,685,443, plus strand): 5'-CATCCCCGTTTGTCCCCCAGAGTGGGCCCAGGGTGGGCAGTGGGGATGGGGAGCTGGACT[TCTC>T]CTCCTGAGGAGGCAGTGGGGTCAGCTCTTTCCCACCTAGAAGAGGGAGATGGCCAGAGTT-3'

ClinVar aggregate classification (germline): Benign (0 of 4 stars; one submission).

Conditions:
GIGYF1-related disorder. Also called: GIGYF1-related condition.

Submission:

PreventionGenetics, part of Exact Sciences
Classification: Benign for GIGYF1-related condition. Last evaluated: 2021-04-22. Review status: no assertion criteria provided. Collection method: clinical testing. Allele origin: germline.
Comment: This variant is classified as benign based on ACMG/AMP sequence variant interpretation guidelines (Richards et al. 2015 PMID: 25741868, with internal and published modifications).